The following is an entry in ClinVar:

NM_019844.4(SLCO1B3):c.1136-2A>G

Genes: SLCO1B3 (solute carrier organic anion transporter family member 1B3; plus strand), SLCO1B3-SLCO1B7 (SLCO1B3-SLCO1B7 readthrough; plus strand). Cytogenetic location: 12p12.2.
Variant type: single nucleotide variant.
Coding change: c.1136-2A>G on transcript NM_019844.4 (MANE Select); the canonical splice acceptor site of the intron before coding-DNA position 1136, A replaced by G.
Molecular consequence: splice acceptor variant.
Genome position (GRCh38, 1-based): chr12:20,879,434, A>G. VCF-style: chr12-20879434-A-G. GRCh37 (hg19) VCF-style: chr12-21032368-A-G.
Other names: c.1052-2A>G (NM_001349920.2); c.1136-2A>G (NM_001371097.1).
Identifiers: ClinVar variation 4983598 (VCV004983598.1).

ClinVar aggregate classification (germline): Likely pathogenic (1 of 4 stars; one submission).

Conditions:
SLCO1B3-related disorder. Also called: SLCO1B3-related condition.

gnomAD v4.1: 6 of 1,566,536 alleles (0.00038%); highest among the groups gnomAD compares: African/African-American, 0.0083%; no homozygotes.

Submission:

PreventionGenetics, part of Exact Sciences
Classification: Likely pathogenic for SLCO1B3-related condition. Last evaluated: 2025-12-16. Review status: criteria provided, single submitter. Criteria: ACMG Guidelines, 2015. Collection method: clinical testing. Allele origin: germline.
Comment: The SLCO1B3 c.1136-2A>G variant is predicted to disrupt the AG splice acceptor site and interfere with normal splicing. To our knowledge, this variant has not been reported in the literature. This variant is reported in 0.023% of alleles in individuals of African descent in gnomAD. Variants that disrupt the consensus splice acceptor site in SLCO1B3 are expected to be pathogenic. This variant is interpreted as likely pathogenic.